The following is an entry in ClinVar:

ClinVar aggregate classification (germline): Uncertain significance (1 of 4 stars; one submission).

Submission:

GeneDx
Classification: Uncertain significance. Last evaluated: 2024-07-22. Review status: criteria provided, single submitter. Criteria: GeneDx Variant Classification Process June 2021. Collection method: clinical testing. Allele origin: germline. Affected: yes.
Comment: Not observed at significant frequency in large population cohorts (gnomAD); In silico analysis supports that this missense variant has a deleterious effect on protein structure/function; Has not been previously published as pathogenic or benign to our knowledge

NM_002709.3(PPP1CB):c.632A>G (p.Asp211Gly)

Gene: PPP1CB (protein phosphatase 1 catalytic subunit beta; plus strand). Cytogenetic location: 2p23.2.
Variant type: single nucleotide variant.
Coding change: c.632A>G on transcript NM_002709.3 (MANE Select); coding-DNA position 632, A replaced by G.
Protein change: p.Asp211Gly; replaces aspartic acid 211 with glycine.
Molecular consequence: missense variant.
Genome position (GRCh38, 1-based): chr2:28,788,697, A>G. VCF-style: chr2-28788697-A-G. GRCh37 (hg19) VCF-style: chr2-29011563-A-G.
Other names: c.632A>G, p.Asp211Gly (NM_206876.2); short protein forms D211G.
Identifiers: ClinVar variation 3600929 (VCV003600929.1).